The following is an entry in ClinVar:

ClinVar aggregate classification (germline): Likely benign (1 of 4 stars; one submission).

Allele frequency attached by ClinVar (database versions not stated): gnomAD exomes 0.00055 and 0.00150; ExAC 0.00190; 1000 Genomes Project 0.00459; 1000 Genomes Project 30x 0.00500; gnomAD 0.00583 and 0.00631; ESP Exome Variant Server 0.00684; TOPMed 0.00685.
gnomAD v4.1: 1,726 of 1,600,282 alleles (0.11%); highest among the groups gnomAD compares: African/African-American, 1.9%; 13 homozygotes.

Submission:

GeneDx
Classification: Likely benign. Last evaluated: 2018-06-19. Review status: criteria provided, single submitter. Criteria: GeneDx Variant Classification (06012015). Collection method: clinical testing. Allele origin: germline. Affected: yes.
Comment: This variant is considered likely benign or benign based on one or more of the following criteria: it is a conservative change, it occurs at a poorly conserved position in the protein, it is predicted to be benign by multiple in silico algorithms, and/or has population frequency not consistent with disease.

NM_000751.3(CHRND):c.510-28G>A

Gene: CHRND (cholinergic receptor nicotinic delta subunit; plus strand). Cytogenetic location: 2q37.1.
Variant type: single nucleotide variant.
Coding change: c.510-28G>A on transcript NM_000751.3 (MANE Select); 28 bases into the intron before coding-DNA position 510, G replaced by A.
Molecular consequence: intron variant.
Genome position (GRCh38, 1-based): chr2:232,528,834, G>A. VCF-style: chr2-232528834-G-A. GRCh37 (hg19) VCF-style: chr2-233393544-G-A.
Other names: c.238+178G>A (NM_001311195.2); c.207-28G>A (NM_001311196.2); c.465-28G>A (NM_001256657.2).
Identifiers: ClinVar variation 679147 (VCV000679147.1), dbSNP rs116037888, ClinGen allele CA2168054.